The following is an entry in ClinVar:

ClinVar aggregate classification (germline): Likely benign (1 of 4 stars; one submission).

Allele frequency attached by ClinVar (database versions not stated): ESP Exome Variant Server 0.00008; ExAC 0.00011; gnomAD 0.00013; TOPMed 0.00015.
gnomAD v4.1: 296 of 1,609,164 alleles (0.018%); highest among the groups gnomAD compares: Admixed American, 0.034%; no homozygotes.

Submission:

CeGaT Center for Human Genetics Tuebingen
Classification: Likely benign. Last evaluated: 2025-09-01. Review status: criteria provided, single submitter. Criteria: CeGaT Center For Human Genetics Tuebingen Variant Classification Criteria Version 2. Collection method: clinical testing. Allele origin: germline. Affected: yes. Observed: 2 variant alleles.
Comment: CTNND1: PP3, BS2

NM_001085458.2(CTNND1):c.2107C>T (p.Arg703Cys)

Genes: CTNND1 (catenin delta 1; plus strand), TMX2-CTNND1 (TMX2-CTNND1 readthrough (NMD candidate); plus strand). Cytogenetic location: 11q12.1.
Variant type: single nucleotide variant.
Coding change: c.2107C>T on transcript NM_001085458.2 (MANE Select); coding-DNA position 2107, C replaced by T.
Protein change: p.Arg703Cys; replaces arginine 703 with cysteine.
Molecular consequence: missense variant. On other transcripts: non-coding transcript variant (1).
Genome position (GRCh38, 1-based): chr11:57,808,405, C>T. VCF-style: chr11-57808405-C-T. GRCh37 (hg19) VCF-style: chr11-57575877-C-T.
Other names: c.1786C>T, p.Arg596Cys (NM_001206890.2, NM_001085464.2, NM_001085465.2 and 3 more transcripts); c.1927C>T, p.Arg643Cys (NM_001206891.2, NM_001206886.2, NM_001206887.2 and 2 more transcripts); c.2089C>T, p.Arg697Cys (NM_001331.3, NM_001085459.2, NM_001085460.2 and 2 more transcripts); c.1804C>T, p.Arg602Cys (NM_001085463.2, NM_001085466.2); c.1945C>T, p.Arg649Cys (NM_001206883.2, NM_001206884.2); c.2107C>T, p.Arg703Cys (NM_001206885.2); short protein forms R596C, R602C, R643C, R649C, R697C, R703C.
Identifiers: ClinVar variation 2641798 (VCV002641798.24), dbSNP rs377391701, ClinGen allele CA6010599.
Genomic context (GRCh38, chr11:57,808,405, plus strand): 5'-CTGCCATTTGTAATTTGTTCCACCCCTTTCTATTTGCTATTCTAGTATGGTCGATACATC[C>T]GCTCTGCTCTGCGTCAAGAGAAGGCTCTTTCTGCCATAGCTGACCTCCTGACTAATGAAC-3'
Protein context (NP_001078927.1, residues 693-713): AGRWTYGRYI[Arg703Cys]SALRQEKALS